The following is an entry in ClinVar:

NM_001330700.2(TOP2B):c.4588A>C (p.Ile1530Leu)

Gene: TOP2B (DNA topoisomerase II beta; minus strand). Cytogenetic location: 3p24.2.
Variant type: single nucleotide variant.
Coding change: c.4588A>C on transcript NM_001330700.2 (MANE Select); coding-DNA position 4588, A replaced by C.
Protein change: p.Ile1530Leu; replaces isoleucine 1530 with leucine.
Molecular consequence: missense variant.
Genome position (GRCh38, 1-based): chr3:25,601,127, T>G on the plus strand (A>C on the coding strand, the complement: TOP2B is on the minus strand). VCF-style: chr3-25601127-T-G. GRCh37 (hg19) VCF-style: chr3-25642618-T-G.
Other names: c.4573A>C, p.Ile1525Leu (NM_001068.3); c.4573A>C (NM_001068.2); short protein forms I1525L, I1530L.
Identifiers: ClinVar variation 3362095 (VCV003362095.2).

ClinVar aggregate classification (germline): Uncertain significance. Review status: criteria provided, multiple submitters, no conflicts (2 of 4 stars). 2 submissions from 2 submitters: Uncertain significance (2). Last evaluated 2025-08-01.

Submissions (2):

Ambry Genetics
Classification: Uncertain significance. Last evaluated: 2025-08-01. Review status: criteria provided, single submitter. Criteria: Ambry Variant Classification Scheme 2023. Collection method: clinical testing. Allele origin: germline.

GeneDx
Classification: Uncertain significance. Last evaluated: 2023-05-25. Review status: criteria provided, single submitter. Criteria: GeneDx Variant Classification Process June 2021. Collection method: clinical testing. Allele origin: germline. Affected: yes.
Comment: Not observed at significant frequency in large population cohorts (gnomAD); In silico analysis supports that this missense variant does not alter protein structure/function; Has not been previously published as pathogenic or benign to our knowledge